The following is an entry in ClinVar:

NM_000501.4(ELN):c.1358-336C>T

Gene: ELN (elastin; plus strand). Cytogenetic location: 7q11.23.
Variant type: single nucleotide variant.
Coding change: c.1358-336C>T on transcript NM_000501.4 (MANE Select); 336 bases into the intron before coding-DNA position 1358, C replaced by T.
Molecular consequence: intron variant.
Genome position (GRCh38, 1-based): chr7:74,057,304, C>T. VCF-style: chr7-74057304-C-T. GRCh37 (hg19) VCF-style: chr7-73471634-C-T.
Other names: c.1373-336C>T (NM_001081754.3); c.1372+591C>T (NM_001081753.3); c.1358-78C>T (NM_001278939.2); c.1358-336C>T (NM_001278915.2, NM_001278912.2); c.1357+591C>T (NM_001081755.3); c.1315+591C>T (NM_001278916.2); c.1171+591C>T (NM_001278913.2); c.1342+591C>T (NM_001278914.2); and 3 more.
Identifiers: ClinVar variation 387594 (VCV000387594.1), dbSNP rs74645021, ClinGen allele CA16605275.

ClinVar aggregate classification (germline): Likely benign (1 of 4 stars; one submission).

Allele frequency attached by ClinVar (database versions not stated): gnomAD exomes 0.00036; gnomAD 0.00327 and 0.00344; TOPMed 0.00344; 1000 Genomes Project 0.00459; 1000 Genomes Project 30x 0.00500.
gnomAD v4.1: 913 of 1,215,540 alleles (0.075%); highest among the groups gnomAD compares: African/African-American, 1%; 3 homozygotes.

Submission:

GeneDx
Classification: Likely benign. Last evaluated: 2016-07-05. Review status: criteria provided, single submitter. Criteria: GeneDx Variant Classification (06012015). Collection method: clinical testing. Allele origin: germline. Affected: yes.
Comment: This variant is considered likely benign or benign based on one or more of the following criteria: it is a conservative change, it occurs at a poorly conserved position in the protein, it is predicted to be benign by multiple in silico algorithms, and/or has population frequency not consistent with disease.